The following is an entry in ClinVar:

ClinVar aggregate classification (germline): Uncertain significance. Review status: criteria provided, multiple submitters, no conflicts (2 of 4 stars). 2 submissions from 2 submitters: Uncertain significance (2). Last evaluated 2025-02-13.

Allele frequency attached by ClinVar (database versions not stated): gnomAD exomes 0.00001 and 0.00002; ExAC 0.00002.
gnomAD v4.1: 7 of 1,614,182 alleles (0.00043%); highest among the groups gnomAD compares: South Asian, 0.0022%; no homozygotes.

Submissions (2):

Labcorp Genetics (formerly Invitae), Labcorp
Classification: Uncertain significance. Last evaluated: 2025-02-13. Review status: criteria provided, single submitter. Criteria: Invitae Variant Classification Sherloc (09022015). Collection method: clinical testing. Allele origin: germline.
Comment: This sequence change replaces alanine, which is neutral and non-polar, with serine, which is neutral and polar, at codon 306 of the ERCC6 protein (p.Ala306Ser). This variant is present in population databases (rs760618206, gnomAD 0.003%). This variant has not been reported in the literature in individuals affected with ERCC6-related conditions. ClinVar contains an entry for this variant (Variation ID: 493070). Invitae Evidence Modeling of protein sequence and biophysical properties (such as structural, functional, and spatial information, amino acid conservation, physicochemical variation, residue mobility, and thermodynamic stability) indicates that this missense variant is not expected to disrupt ERCC6 protein function with a negative predictive value of 80%. In summary, the available evidence is currently insufficient to determine the role of this variant in disease. Therefore, it has been classified as a Variant of Uncertain Significance.

CeGaT Center for Human Genetics Tuebingen
Classification: Uncertain significance. Last evaluated: 2018-04-01. Review status: criteria provided, single submitter. Criteria: CeGaT Center For Human Genetics Tuebingen Variant Classification Criteria Version 2. Collection method: clinical testing. Allele origin: germline. Affected: yes. Observed: 3 variant alleles.

NM_000124.4(ERCC6):c.916G>T (p.Ala306Ser)

Gene: ERCC6 (ERCC excision repair 6, chromatin remodeling factor; minus strand). Cytogenetic location: 10q11.23.
Variant type: single nucleotide variant.
Coding change: c.916G>T on transcript NM_000124.4 (MANE Select); coding-DNA position 916, G replaced by T.
Protein change: p.Ala306Ser; replaces alanine 306 with serine.
Molecular consequence: missense variant.
Genome position (GRCh38, 1-based): chr10:49,524,514, C>A on the plus strand (G>T on the coding strand, the complement: ERCC6 is on the minus strand). VCF-style: chr10-49524514-C-A. GRCh37 (hg19) VCF-style: chr10-50732560-C-A.
Other names: c.916G>T, p.Ala306Ser (NM_001277058.2, NM_001277059.2, NM_001346440.2); short protein forms A306S.
Identifiers: ClinVar variation 493070 (VCV000493070.44), dbSNP rs760618206, ClinGen allele CA5496413.